The following is an entry in ClinVar:

ClinVar aggregate classification (germline): Uncertain significance (1 of 4 stars; one submission).

gnomAD v4.1: 3 of 1,593,522 alleles (0.00019%); highest among the groups gnomAD compares: Non-Finnish European, 0.00026%; no homozygotes.

Submission:

Labcorp Genetics (formerly Invitae), Labcorp
Classification: Uncertain significance. Last evaluated: 2024-04-23. Review status: criteria provided, single submitter. Criteria: Invitae Variant Classification Sherloc (09022015). Collection method: clinical testing. Allele origin: germline.
Comment: This sequence change replaces phenylalanine, which is neutral and non-polar, with cysteine, which is neutral and slightly polar, at codon 383 of the CDC45 protein (p.Phe383Cys). This variant is not present in population databases (gnomAD no frequency). This variant has not been reported in the literature in individuals affected with CDC45-related conditions. ClinVar contains an entry for this variant (Variation ID: 1361085). An algorithm developed to predict the effect of missense changes on protein structure and function (PolyPhen-2) suggests that this variant is likely to be disruptive. Algorithms developed to predict the effect of sequence changes on RNA splicing suggest that this variant may disrupt the consensus splice site. In summary, the available evidence is currently insufficient to determine the role of this variant in disease. Therefore, it has been classified as a Variant of Uncertain Significance.

NM_003504.5(CDC45):c.1052T>G (p.Phe351Cys)

Gene: CDC45 (cell division cycle 45; plus strand). Cytogenetic location: 22q11.21.
Variant type: single nucleotide variant.
Coding change: c.1052T>G on transcript NM_003504.5 (MANE Select); coding-DNA position 1052, T replaced by G.
Protein change: p.Phe351Cys; replaces phenylalanine 351 with cysteine.
Molecular consequence: missense variant. On other transcripts: non-coding transcript variant (1).
Genome position (GRCh38, 1-based): chr22:19,507,861, T>G. VCF-style: chr22-19507861-T-G. GRCh37 (hg19) VCF-style: chr22-19495384-T-G.
Other names: c.1148T>G, p.Phe383Cys (NM_001178010.2); c.914T>G, p.Phe305Cys (NM_001178011.2); c.1016T>G, p.Phe339Cys (NM_001369291.1); short protein forms F339C, F383C, F305C, F351C.
Identifiers: ClinVar variation 1361085 (VCV001361085.8), dbSNP rs780209184, ClinGen allele CA410667316.
Genomic context (GRCh38, chr22:19,507,861, plus strand): 5'-CCATGGACATCTCCTTGAAGGAGAATTTGCGGGAAATGATTGAAGAGTCTGCAAATAAAT[T>G]TGGGTAAACACACATTTTTCTGGATTTATCTTCATTACATCCAGGTTCATTAAAGTGAAG-3'
Protein context (NP_003495.1, residues 341-361): REMIEESANK[Phe351Cys]GMKDMRVQTF